The following is an entry in ClinVar:

NM_001374353.1(GLI2):c.3329G>A (p.Cys1110Tyr)

Gene: GLI2 (GLI family zinc finger 2; plus strand). Cytogenetic location: 2q14.2.
Variant type: single nucleotide variant.
Coding change: c.3329G>A on transcript NM_001374353.1 (MANE Select); coding-DNA position 3329, G replaced by A.
Protein change: p.Cys1110Tyr; replaces cysteine 1110 with tyrosine.
Molecular consequence: missense variant.
Genome position (GRCh38, 1-based): chr2:120,989,294, G>A. VCF-style: chr2-120989294-G-A. GRCh37 (hg19) VCF-style: chr2-121746870-G-A.
Other names: c.3380G>A, p.Cys1127Tyr (NM_001371271.1, NM_005270.5); c.2954G>A, p.Cys985Tyr (NM_001374354.1); short protein forms C1110Y, C1127Y, C985Y.
Identifiers: ClinVar variation 1699630 (VCV001699630.5), dbSNP rs1683160288, ClinGen allele CA348173649.
Genomic context (GRCh38, chr2:120,989,294, plus strand): 5'-AGCGCAGGATGGTGGCTGCGGACTCCAACGTGGGCCCCTCCGCCCCTATGCTGGGAGGAT[G>A]CCAGTTAGGCTTTGGGGCGCCCTCCAGCCTGAACAAAAATAACATGCCTGTGCAGTGGAA-3'
Protein context (NP_001361282.1, residues 1100-1120): VGPSAPMLGG[Cys1110Tyr]QLGFGAPSSL

ClinVar aggregate classification (germline): Uncertain significance. Review status: criteria provided, multiple submitters, no conflicts (2 of 4 stars). 2 submissions from 2 submitters: Uncertain significance (2). Last evaluated 2024-11-29.

Allele frequency attached by ClinVar (database versions not stated): TOPMed 0.00001; gnomAD exomes below 0.00001.
gnomAD v4.1: 3 of 1,613,100 alleles (0.00019%); highest among the groups gnomAD compares: Admixed American, 0.0033%; no homozygotes.

Submissions (2):

Women's Health and Genetics/Laboratory Corporation of America, LabCorp
Classification: Uncertain significance. Last evaluated: 2024-11-29. Review status: criteria provided, single submitter. Criteria: LabCorp Variant Classification Summary - May 2015. Collection method: clinical testing. Allele origin: germline.
Comment: Variant summary: GLI2 c.3380G>A (p.Cys1127Tyr) results in a non-conservative amino acid change in the encoded protein sequence. Three of five in-silico tools predict a damaging effect of the variant on protein function. The variant was absent in 248274 control chromosomes. The available data on variant occurrences in the general population are insufficient to allow any conclusion about variant significance. To our knowledge, no occurrence of c.3380G>A in individuals affected with GLI2-Related Disorders and no experimental evidence demonstrating its impact on protein function have been reported. ClinVar contains an entry for this variant (Variation ID: 1699630). Based on the evidence outlined above, the variant was classified as uncertain significance.

GeneDx
Classification: Uncertain significance. Last evaluated: 2023-09-11. Review status: criteria provided, single submitter. Criteria: GeneDx Variant Classification Process June 2021. Collection method: clinical testing. Allele origin: germline.
Comment: Not observed at significant frequency in large population cohorts (gnomAD); In silico analysis supports that this missense variant has a deleterious effect on protein structure/function; Has not been previously published as pathogenic or benign to our knowledge